The following is an entry in ClinVar:

NM_021619.3(PRDM12):c.301G>A (p.Gly101Ser)

Genes: PRDM12 (PR/SET domain 12; plus strand), LOC126860775 (CDK7 strongly-dependent group 2 enhancer GRCh37_chr9:133541982-133543181; plus strand). Cytogenetic location: 9q34.12.
Variant type: single nucleotide variant.
Coding change: c.301G>A on transcript NM_021619.3 (MANE Select); coding-DNA position 301, G replaced by A.
Protein change: p.Gly101Ser; replaces glycine 101 with serine.
Molecular consequence: missense variant.
Genome position (GRCh38, 1-based): chr9:130,666,685, G>A. VCF-style: chr9-130666685-G-A. GRCh37 (hg19) VCF-style: chr9-133542072-G-A.
Other names: short protein forms G101S.
Identifiers: ClinVar variation 1447280 (VCV001447280.8), dbSNP rs775563569, ClinGen allele CA375246335.

ClinVar aggregate classification (germline): Uncertain significance (1 of 4 stars; one submission).

Conditions:
Congenital insensitivity to pain-hypohidrosis syndrome. Also called: HSAN VIII; Neuropathy, hereditary sensory and autonomic, type VIII. Identifiers: Orphanet 478664, MedGen C4225308, MONDO:0014662, OMIM 616488.

Allele frequency attached by ClinVar (database versions not stated): TOPMed below 0.00001.
gnomAD v4.1: 1 of 1,613,488 alleles (0.000062%); highest among the groups gnomAD compares: Non-Finnish European, 0.000085%; no homozygotes.

Submission:

Labcorp Genetics (formerly Invitae), Labcorp
Classification: Uncertain significance for Congenital insensitivity to pain-hypohidrosis syndrome. Last evaluated: 2021-03-23. Review status: criteria provided, single submitter. Criteria: Invitae Variant Classification Sherloc (09022015). Collection method: clinical testing. Allele origin: germline.
Comment: This variant has not been reported in the literature in individuals with PRDM12-related conditions. In summary, the available evidence is currently insufficient to determine the role of this variant in disease. Therefore, it has been classified as a Variant of Uncertain Significance. Algorithms developed to predict the effect of missense changes on protein structure and function are either unavailable or do not agree on the potential impact of this missense change (SIFT: "Deleterious"; PolyPhen-2: "Probably Damaging"; Align-GVGD: "Class C0"). This variant is not present in population databases (ExAC no frequency). This sequence change replaces glycine with serine at codon 101 of the PRDM12 protein (p.Gly101Ser). The glycine residue is highly conserved and there is a small physicochemical difference between glycine and serine.